The following is an entry in ClinVar:

NM_003108.4(SOX11):c.30G>A (p.Ala10=)

Gene: SOX11 (SRY-box transcription factor 11; plus strand). Cytogenetic location: 2p25.2.
Variant type: single nucleotide variant.
Coding change: c.30G>A on transcript NM_003108.4 (MANE Select); coding-DNA position 30, G replaced by A.
Protein change: p.Ala10=; no amino-acid change (alanine 10 retained).
Molecular consequence: synonymous variant.
Genome position (GRCh38, 1-based): chr2:5,692,751, G>A. VCF-style: chr2-5692751-G-A. GRCh37 (hg19) VCF-style: chr2-5832883-G-A.
Identifiers: ClinVar variation 3622501 (VCV003622501.2).

ClinVar aggregate classification (germline): Uncertain significance (1 of 4 stars; one submission).

gnomAD v4.1: 4 of 1,604,090 alleles (0.00025%); highest among the groups gnomAD compares: Admixed American, 0.0017%; no homozygotes.

Submission:

Labcorp Genetics (formerly Invitae), Labcorp
Classification: Uncertain significance. Last evaluated: 2024-12-02. Review status: criteria provided, single submitter. Criteria: Invitae Variant Classification Sherloc (09022015). Collection method: clinical testing. Allele origin: germline.
Comment: This sequence change affects codon 10 of the SOX11 mRNA. It is a 'silent' change, meaning that it does not change the encoded amino acid sequence of the SOX11 protein. This variant is present in population databases (rs748803674, gnomAD 0.003%). This variant has not been reported in the literature in individuals affected with SOX11-related conditions. In summary, the available evidence is currently insufficient to determine the role of this variant in disease. Therefore, it has been classified as a Variant of Uncertain Significance.